The following is an entry in ClinVar:

NM_000179.3(MSH6):c.138G>A (p.Gly46=)

Gene: MSH6 (mutS homolog 6; plus strand). Cytogenetic location: 2p16.3.
Variant type: single nucleotide variant.
Coding change: c.138G>A on transcript NM_000179.3 (MANE Select); coding-DNA position 138, G replaced by A.
Protein change: p.Gly46=; no amino-acid change (glycine 46 retained).
Molecular consequence: synonymous variant. On other transcripts: intron variant (5), 5 prime UTR variant (7), missense variant (1), non-coding transcript variant (5).
Genome position (GRCh38, 1-based): chr2:47,783,371, G>A. VCF-style: chr2-47783371-G-A. GRCh37 (hg19) VCF-style: chr2-48010510-G-A.
Other names: c.-38+140G>A (NM_001406797.1, NM_001406801.1, NM_001406805.1); c.-69+140G>A (NM_001406806.1); c.-280+140G>A (NM_001406815.1); c.138G>A, p.Gly46= (NM_001281492.2, NM_001406795.1, NM_001406796.1 and 9 more transcripts); c.-599G>A (NM_001281493.2, NM_001406811.1); c.-191G>A (NM_001406799.1); c.83G>A, p.Gly28Glu (NM_001406804.1); c.-791G>A (NM_001406807.1); and 3 more; short protein forms G28E.
Identifiers: ClinVar variation 3903971 (VCV003903971.1).

ClinVar aggregate classification (germline): Benign (1 of 4 stars; one submission).

Conditions:
Lynch syndrome 5 (LYNCH5). Also called: Colorectal cancer, hereditary nonpolyposis, type 5; Hereditary non-polyposis colorectal cancer, type 5. Identifiers: Orphanet 144, MedGen C1833477, MONDO:0013710, OMIM 614350. Disease mechanism: loss of function.

Submission:

Myriad Genetics, Inc.
Classification: Benign for Lynch syndrome 5. Last evaluated: 2024-12-17. Review status: criteria provided, single submitter. Criteria: Myriad Autosomal Dominant, Autosomal Recessive and X-Linked Classification Criteria (2023). Collection method: clinical testing. Allele origin: unknown.
Comment: This variant is considered benign. This variant is a silent/synonymous amino acid change and it is not expected to impact splicing.